The following is an entry in ClinVar:

NM_012471.3(TRPC5):c.392T>C (p.Met131Thr)

Gene: TRPC5 (transient receptor potential cation channel subfamily C member 5; minus strand). Cytogenetic location: Xq23.
Variant type: single nucleotide variant.
Coding change: c.392T>C on transcript NM_012471.3 (MANE Select); coding-DNA position 392, T replaced by C.
Protein change: p.Met131Thr; replaces methionine 131 with threonine.
Molecular consequence: missense variant.
Genome position (GRCh38, 1-based): chrX:111,912,799, A>G on the plus strand (T>C on the coding strand, the complement: TRPC5 is on the minus strand). VCF-style: chrX-111912799-A-G. GRCh37 (hg19) VCF-style: chrX-111156027-A-G.
Other names: short protein forms M131T.
Identifiers: ClinVar variation 3350706 (VCV003350706.1).

ClinVar aggregate classification (germline): Uncertain significance (0 of 4 stars; one submission).

Conditions:
TRPC5-related disorder. Also called: TRPC5-related condition.

Submission:

PreventionGenetics, part of Exact Sciences
Classification: Uncertain significance for TRPC5-related condition. Last evaluated: 2024-04-30. Review status: no assertion criteria provided. Collection method: clinical testing. Allele origin: germline.
Comment: The TRPC5 c.392T>C variant is predicted to result in the amino acid substitution p.Met131Thr. To our knowledge, this variant has not been reported in the literature or in a large population database, indicating this variant is rare. At this time, the clinical significance of this variant is uncertain due to the absence of conclusive functional and genetic evidence.